The following is an entry in ClinVar:

NM_201378.4(PLEC):c.71-11848G>A

Gene: PLEC (plectin; minus strand). Cytogenetic location: 8q24.3.
Variant type: single nucleotide variant.
Coding change: c.71-11848G>A on transcript NM_201378.4 (MANE Plus Clinical); 11848 bases into the intron before coding-DNA position 71, G replaced by A.
Molecular consequence: intron variant. On other transcripts: missense variant (1).
Genome position (GRCh38, 1-based): chr8:143,950,540, C>T on the plus strand (G>A on the coding strand, the complement: PLEC is on the minus strand). VCF-style: chr8-143950540-C-T. GRCh37 (hg19) VCF-style: chr8-145024708-C-T.
Other names: c.167G>A, p.Arg56Gln (NM_201380.4); c.194-11848G>A (NM_001410941.1, NM_000445.5); c.46+3186G>A (NM_201379.3); short protein forms R56Q.
Identifiers: ClinVar variation 994917 (VCV000994917.5), dbSNP rs371337955, ClinGen allele CA4929001.

ClinVar aggregate classification (germline): Likely benign. Review status: criteria provided, multiple submitters, no conflicts (2 of 4 stars). 2 submissions from 2 submitters: Likely benign (2). Last evaluated 2025-09-18.

Conditions:
PLEC-related disorder. Also called: PLEC-related condition; PLEC-related disorders.

Allele frequency attached by ClinVar (database versions not stated): ExAC 0.00013; TOPMed 0.00041; ESP Exome Variant Server 0.00024; gnomAD 0.00046 and 0.00041; gnomAD exomes 0.00004 and 0.00011.
gnomAD v4.1: 127 of 1,607,730 alleles (0.0079%); highest among the groups gnomAD compares: African/African-American, 0.14%; no homozygotes.

Submissions (2):

PreventionGenetics, part of Exact Sciences
Classification: Likely benign for PLEC-related condition. Last evaluated: 2025-09-18. Review status: criteria provided, single submitter. Criteria: ACMG Guidelines, 2015. Collection method: clinical testing. Allele origin: germline.
Comment: This variant is classified as likely benign based on ACMG/AMP sequence variant interpretation guidelines (Richards et al. 2015 PMID: 25741868, with internal and published modifications).

Athena Diagnostics
Classification: Likely benign. Last evaluated: 2023-12-08. Review status: criteria provided, single submitter. Criteria: Athena Diagnostics Criteria. Collection method: clinical testing. Allele origin: unknown.